The following is an entry in ClinVar:

ClinVar aggregate classification (germline): Uncertain significance (1 of 4 stars; one submission).

Conditions:
Deficiency of 3-hydroxyacyl-CoA dehydrogenase. Also called: 3-hydroxyacyl-CoA dehydrogenase deficiency; HADH DEFICIENCY. Identifiers: Orphanet 309127, Orphanet 71212, MedGen C1291230, MONDO:0017715, OMIM 231530.

Allele frequency attached by ClinVar (database versions not stated): TOPMed 0.00001; ExAC 0.00003.
gnomAD v4.1: 9 of 1,613,820 alleles (0.00056%); highest among the groups gnomAD compares: South Asian, 0.0011%; no homozygotes.

Submission:

Labcorp Genetics (formerly Invitae), Labcorp
Classification: Uncertain significance for Deficiency of 3-hydroxyacyl-CoA dehydrogenase. Last evaluated: 2025-08-18. Review status: criteria provided, single submitter. Criteria: Invitae Variant Classification Sherloc (09022015). Collection method: clinical testing. Allele origin: germline.
Comment: This sequence change replaces isoleucine, which is neutral and non-polar, with valine, which is neutral and non-polar, at codon 143 of the HADH protein (p.Ile143Val). This variant is present in population databases (rs755730411, gnomAD 0.004%). This variant has not been reported in the literature in individuals affected with HADH-related conditions. ClinVar contains an entry for this variant (Variation ID: 1896216). Invitae Evidence Modeling of protein sequence and biophysical properties (such as structural, functional, and spatial information, amino acid conservation, physicochemical variation, residue mobility, and thermodynamic stability) indicates that this missense variant is not expected to disrupt HADH protein function with a negative predictive value of 80%. In summary, the available evidence is currently insufficient to determine the role of this variant in disease. Therefore, it has been classified as a Variant of Uncertain Significance.

NM_005327.7(HADH):c.427A>G (p.Ile143Val)

Gene: HADH (hydroxyacyl-CoA dehydrogenase; plus strand). Cytogenetic location: 4q25.
Variant type: single nucleotide variant.
Coding change: c.427A>G on transcript NM_005327.7 (MANE Select); coding-DNA position 427, A replaced by G.
Protein change: p.Ile143Val; replaces isoleucine 143 with valine.
Molecular consequence: missense variant.
Genome position (GRCh38, 1-based): chr4:108,019,547, A>G. VCF-style: chr4-108019547-A-G. GRCh37 (hg19) VCF-style: chr4-108940703-A-G.
Other names: c.427A>G, p.Ile143Val (NM_001184705.4); c.439A>G, p.Ile147Val (NM_001331027.2); short protein forms I147V, I143V.
Identifiers: ClinVar variation 1896216 (VCV001896216.3), dbSNP rs755730411, ClinGen allele CA3037475.
Genomic context (GRCh38, chr4:108,019,547, plus strand): 5'-GTTTTGAAAGAAGAGATTCACTCTGATACTCCCACTATATTTTCTCTTCACAGACATACA[A>G]TCTTTGCCAGCAACACTTCCTCCTTGCAGATTACAAGCATAGCTAATGCCACCACCAGAC-3'
Protein context (NP_005318.6, residues 133-153): RLDKFAAEHT[Ile143Val]FASNTSSLQI